The following is an entry in ClinVar:

ClinVar aggregate classification (germline): Likely pathogenic (1 of 4 stars; one submission).

Conditions:
Joubert syndrome and related disorders. Identifiers: Orphanet 140874, MedGen C5679612, MONDO:0015369.

Submission:

Women's Health and Genetics/Laboratory Corporation of America, LabCorp
Classification: Likely pathogenic for Joubert syndrome and related disorders. Last evaluated: 2022-07-14. Review status: criteria provided, single submitter. Criteria: LabCorp Variant Classification Summary - May 2015. Collection method: clinical testing. Allele origin: germline.
Comment: Variant summary: INPP5E c.1757_1758delCT (p.Pro586ArgfsX24) results in a premature termination codon, predicted to cause a truncation of the encoded protein or absence of the protein due to nonsense mediated decay, which are commonly known mechanisms for disease. Truncations downstream of this position have been cited in ClinVar and HGMD as pathogenic and disease-associated. The variant was absent in 157330 control chromosomes (gnomAD). To our knowledge, no occurrence of c.1757_1758delCT in individuals affected with Joubert Syndrome And Related Disorders and no experimental evidence demonstrating its impact on protein function have been reported. No clinical diagnostic laboratories have submitted clinical-significance assessments for this variant to ClinVar after 2014. Based on the evidence outlined above, the variant was classified as likely pathogenic.

NM_019892.6(INPP5E):c.1757_1758del (p.Pro586fs)

Gene: INPP5E (inositol polyphosphate-5-phosphatase E; minus strand). Cytogenetic location: 9q34.3.
Variant type: Deletion.
Coding change: c.1757_1758del on transcript NM_019892.6 (MANE Select); coding-DNA positions 1757 to 1758, 2 bases deleted (CT; older notation c.1757_1758delCT).
Protein change: p.Pro586fs; shifts the reading frame from proline 586.
Molecular consequence: frameshift variant.
Genome position (GRCh38, 1-based): chr9:136,430,321-136,430,322, AG deleted on the plus strand (CT on the coding strand, the reverse complement: INPP5E is on the minus strand). VCF-style (leftmost placement, unchanged base first): chr9-136430320-CAG-C. GRCh37 (hg19) VCF-style: chr9-139324772-CAG-C.
Other names: c.1754_1755del, p.Pro585fs (NM_001318502.2); short protein forms P585fs, P586fs.
Identifiers: ClinVar variation 1704588 (VCV001704588.1), dbSNP rs2538870759, ClinGen allele CA2580080904.
Genomic context (GRCh38, chr9:136,430,320, plus strand): 5'-AGCGGGAGAACACTGACTTGTCTCGCCCCGGCCTCACTTTCACCCGGAAGAGGCCATACA[CAG>C]GGCGGTGGTCGGACGTCTTGATCCCGGGGCAGGAAGAGTAGCTCACAGGACAGATGTCAC-3'